The following is an entry in ClinVar:

ClinVar aggregate classification (germline): Likely benign (0 of 4 stars; one submission).

Conditions:
ADGRL2-related disorder. Also called: ADGRL2-related condition.

Allele frequency attached by ClinVar (database versions not stated): ExAC 0.00005.
gnomAD v4.1: 40 of 1,605,600 alleles (0.0025%); highest among the groups gnomAD compares: African/African-American, 0.013%; no homozygotes.

Submission:

PreventionGenetics, part of Exact Sciences
Classification: Likely benign for ADGRL2-related condition. Last evaluated: 2019-06-13. Review status: no assertion criteria provided. Collection method: clinical testing. Allele origin: germline.
Comment: This variant is classified as likely benign based on ACMG/AMP sequence variant interpretation guidelines (Richards et al. 2015 PMID: 25741868, with internal and published modifications).

NM_001366006.2(ADGRL2):c.2734-4G>A

Gene: ADGRL2 (adhesion G protein-coupled receptor L2; plus strand). Cytogenetic location: 1p31.1.
Variant type: single nucleotide variant.
Coding change: c.2734-4G>A on transcript NM_001366006.2 (MANE Select); 4 bases into the intron before coding-DNA position 2734, G replaced by A.
Molecular consequence: intron variant.
Genome position (GRCh38, 1-based): chr1:81,970,310, G>A. VCF-style: chr1-81970310-G-A. GRCh37 (hg19) VCF-style: chr1-82435994-G-A.
Other names: c.2734-4G>A (NM_001366003.2, NM_001366004.2, NM_001366008.2 and 4 more transcripts); c.2683-4G>A (NM_001297704.3, NM_001297705.3, NM_012302.5 and 7 more transcripts); c.2722-4G>A (NM_001330645.3, NM_001366009.2, NM_001393350.1).
Identifiers: ClinVar variation 3033758 (VCV003033758.2), dbSNP rs757239872, ClinGen allele CA922795.